The following is an entry in ClinVar:

NM_005257.6(GATA6):c.686C>T (p.Ser229Leu)

Gene: GATA6 (GATA binding protein 6; plus strand). Cytogenetic location: 18q11.2.
Variant type: single nucleotide variant.
Coding change: c.686C>T on transcript NM_005257.6 (MANE Select); coding-DNA position 686, C replaced by T.
Protein change: p.Ser229Leu; replaces serine 229 with leucine.
Molecular consequence: missense variant.
Genome position (GRCh38, 1-based): chr18:22,171,830, C>T. VCF-style: chr18-22171830-C-T. GRCh37 (hg19) VCF-style: chr18-19751791-C-T.
Other names: c.686C>T (NM_005257.3); short protein forms S229L.
Identifiers: ClinVar variation 1025482 (VCV001025482.9), dbSNP rs1420896186, ClinGen allele CA401800493.

ClinVar aggregate classification (germline): Uncertain significance. Review status: criteria provided, multiple submitters, no conflicts (2 of 4 stars). 2 submissions from 2 submitters: Uncertain significance (2). Last evaluated 2025-08-27.

Conditions:
Inborn genetic diseases. Identifiers: MedGen C0950123, MeSH D030342.
Atrioventricular septal defect 5 (AVSD5). Identifiers: MedGen C3280939, MONDO:0013769, OMIM 614474.

Allele frequency attached by ClinVar (database versions not stated): TOPMed 0.00001.

Submissions (2):

Ambry Genetics
Classification: Uncertain significance for Inborn genetic diseases. Last evaluated: 2025-08-27. Review status: criteria provided, single submitter. Criteria: Ambry Variant Classification Scheme 2023. Collection method: clinical testing. Allele origin: germline.

Labcorp Genetics (formerly Invitae), Labcorp
Classification: Uncertain significance for Atrioventricular septal defect 5. Last evaluated: 2020-02-06. Review status: criteria provided, single submitter. Criteria: Invitae Variant Classification Sherloc (09022015). Collection method: clinical testing. Allele origin: germline.
Comment: This sequence change replaces serine with leucine at codon 229 of the GATA6 protein (p.Ser229Leu). The serine residue is weakly conserved and there is a large physicochemical difference between serine and leucine. In summary, the available evidence is currently insufficient to determine the role of this variant in disease. Therefore, it has been classified as a Variant of Uncertain Significance. Algorithms developed to predict the effect of missense changes on protein structure and function are either unavailable or do not agree on the potential impact of this missense change (SIFT: "Deleterious"; PolyPhen-2: "Benign"; Align-GVGD: "Class C0"). This variant has not been reported in the literature in individuals with GATA6-related conditions. The frequency data for this variant in the population databases is considered unreliable, as metrics indicate insufficient coverage at this position in the ExAC database.